The following is an entry in ClinVar:

NM_019844.4(SLCO1B3):c.1964A>T (p.Asp655Val)

Genes: SLCO1B3 (solute carrier organic anion transporter family member 1B3; plus strand), SLCO1B3-SLCO1B7 (SLCO1B3-SLCO1B7 readthrough; plus strand). Cytogenetic location: 12p12.2.
Variant type: single nucleotide variant.
Coding change: c.1964A>T on transcript NM_019844.4 (MANE Select); coding-DNA position 1964, A replaced by T.
Protein change: p.Asp655Val; replaces aspartic acid 655 with valine.
Molecular consequence: missense variant. On other transcripts: intron variant (1).
Genome position (GRCh38, 1-based): chr12:20,916,102, A>T. VCF-style: chr12-20916102-A-T. GRCh37 (hg19) VCF-style: chr12-21069036-A-T.
Other names: c.1880A>T, p.Asp627Val (NM_001349920.2); c.1865+14635A>T (NM_001371097.1); short protein forms D627V, D655V.
Identifiers: ClinVar variation 5002605 (VCV005002605.1).

ClinVar aggregate classification (germline): Uncertain significance (1 of 4 stars; one submission).

Conditions:
SLCO1B3-related disorder. Also called: SLCO1B3-related condition.

gnomAD v4.1: 2 of 1,613,472 alleles (0.00012%); highest among the groups gnomAD compares: Non-Finnish European, 0.000085%; no homozygotes.

Submission:

PreventionGenetics, part of Exact Sciences
Classification: Uncertain significance for SLCO1B3-related condition. Last evaluated: 2026-01-07. Review status: criteria provided, single submitter. Criteria: ACMG Guidelines, 2015. Collection method: clinical testing. Allele origin: germline.
Comment: The SLCO1B3 c.1964A>T variant is predicted to result in the amino acid substitution p.Asp655Val. To our knowledge, this variant has not been reported in the literature or in a large population database (gnomAD), indicating this variant is rare. At this time, the clinical significance of this variant is uncertain due to the absence of conclusive functional and genetic evidence.